The following is an entry in ClinVar:

ClinVar aggregate classification (germline): Uncertain significance (1 of 4 stars; one submission).

Conditions:
Immunodeficiency 132A. Also called: Herpes simplex encephalitis, susceptibility to, 3. Identifiers: Orphanet 1930, MedGen C3553868, MONDO:0013920, OMIM 614849.

gnomAD v4.1: 5 of 1,613,674 alleles (0.00031%); highest among the groups gnomAD compares: South Asian, 0.0044%; no homozygotes.

Submission:

Labcorp Genetics (formerly Invitae), Labcorp
Classification: Uncertain significance for Immunodeficiency 132A. Last evaluated: 2025-12-22. Review status: criteria provided, single submitter. Criteria: Invitae Variant Classification Sherloc (09022015). Collection method: clinical testing. Allele origin: germline.
Comment: This sequence change replaces alanine, which is neutral and non-polar, with glutamic acid, which is acidic and polar, at codon 78 of the TRAF3 protein (p.Ala78Glu). This variant is not present in population databases (gnomAD no frequency). This variant has not been reported in the literature in individuals affected with TRAF3-related conditions. An algorithm developed to predict the effect of missense changes on protein structure and function (PolyPhen-2) suggests that this variant is likely to be tolerated. In summary, the available evidence is currently insufficient to determine the role of this variant in disease. Therefore, it has been classified as a Variant of Uncertain Significance.

NM_145725.3(TRAF3):c.233C>A (p.Ala78Glu)

Gene: TRAF3 (TNF receptor associated factor 3; plus strand). Cytogenetic location: 14q32.32.
Variant type: single nucleotide variant.
Coding change: c.233C>A on transcript NM_145725.3 (MANE Select); coding-DNA position 233, C replaced by A.
Protein change: p.Ala78Glu; replaces alanine 78 with glutamic acid.
Molecular consequence: missense variant.
Genome position (GRCh38, 1-based): chr14:102,870,434, C>A. VCF-style: chr14-102870434-C-A. GRCh37 (hg19) VCF-style: chr14-103336771-C-A.
Other names: c.233C>A, p.Ala78Glu (NM_001199427.2, NM_001385142.1, NM_001385143.1 and 2 more transcripts); short protein forms A78E.
Identifiers: ClinVar variation 4808887 (VCV004808887.1).
Genomic context (GRCh38, chr14:102,870,434, plus strand): 5'-TGGTGCTGTGCAGCCCGAAGCAGACCGAGTGTGGGCACCGCTTCTGCGAGAGCTGCATGG[C>A]GGCCCTGCTGAGGTAGGCGCCCTCGCCCGGCCCGTCGCCCGGCCCCTTCTCAGCCCTCGG-3'
Protein context (NP_663777.1, residues 68-88): CGHRFCESCM[Ala78Glu]ALLSSSSPKC